The following is an entry in ClinVar:

ClinVar aggregate classification (germline): Uncertain significance. Review status: criteria provided, multiple submitters, no conflicts (2 of 4 stars). 2 submissions from 2 submitters: Uncertain significance (2). Last evaluated 2025-09-13.

Conditions:
Noonan syndrome 8 (NS8). Identifiers: Orphanet 648, MedGen C3809233, MONDO:0014143, OMIM 615355.

Submissions (2):

Mayo Clinic Laboratories, Mayo Clinic
Classification: Uncertain significance. Last evaluated: 2025-09-13. Review status: criteria provided, single submitter. Criteria: ACMG Guidelines, 2015. Collection method: clinical testing. Allele origin: germline. Observed: 1 variant allele.
Comment: BP4, PM2_supporting

Labcorp Genetics (formerly Invitae), Labcorp
Classification: Uncertain significance for Noonan syndrome 8. Last evaluated: 2023-03-20. Review status: criteria provided, single submitter. Criteria: Invitae Variant Classification Sherloc (09022015). Collection method: clinical testing. Allele origin: germline.
Comment: Advanced modeling performed at Invitae incorporating data from internal and/or published experimental studies (Invitae) indicates that this missense variant is not expected to disrupt RIT1 function. This sequence change replaces glycine, which is neutral and non-polar, with arginine, which is basic and polar, at codon 4 of the RIT1 protein (p.Gly4Arg). This variant is not present in population databases (gnomAD no frequency). This variant has not been reported in the literature in individuals affected with RIT1-related conditions. ClinVar contains an entry for this variant (Variation ID: 1441108). In summary, the available evidence is currently insufficient to determine the role of this variant in disease. Therefore, it has been classified as a Variant of Uncertain Significance.

NM_006912.6(RIT1):c.10G>C (p.Gly4Arg)

Gene: RIT1 (Ras like without CAAX 1; minus strand). Cytogenetic location: 1q22.
Variant type: single nucleotide variant.
Coding change: c.10G>C on transcript NM_006912.6 (MANE Select); coding-DNA position 10, G replaced by C.
Protein change: p.Gly4Arg; replaces glycine 4 with arginine.
Molecular consequence: missense variant. On other transcripts: intron variant (1).
Genome position (GRCh38, 1-based): chr1:155,910,752, C>G on the plus strand (G>C on the coding strand, the complement: RIT1 is on the minus strand). VCF-style: chr1-155910752-C-G. GRCh37 (hg19) VCF-style: chr1-155880543-C-G.
Other names: p.Gly4Arg; c.61G>C, p.Gly21Arg (NM_001256821.2); c.-2-246G>C (NM_001256820.2); short protein forms G4R, G21R.
Identifiers: ClinVar variation 1441108 (VCV001441108.9), dbSNP rs2102591257, ClinGen allele CA342776568.